The following is an entry in ClinVar:

NM_006639.4(CYSLTR1):c.361C>T (p.Arg121Trp)

Gene: CYSLTR1 (cysteinyl leukotriene receptor 1; minus strand). Cytogenetic location: Xq21.1.
Variant type: single nucleotide variant.
Coding change: c.361C>T on transcript NM_006639.4 (MANE Select); coding-DNA position 361, C replaced by T.
Protein change: p.Arg121Trp; replaces arginine 121 with tryptophan.
Molecular consequence: missense variant.
Genome position (GRCh38, 1-based): chrX:78,273,386, G>A on the plus strand (C>T on the coding strand, the complement: CYSLTR1 is on the minus strand). VCF-style: chrX-78273386-G-A. GRCh37 (hg19) VCF-style: chrX-77528883-G-A.
Other names: c.361C>T (NM_006639.2); c.361C>T, p.Arg121Trp (NM_001282186.2, NM_001282187.2, NM_001282188.2); short protein forms R121W.
Identifiers: ClinVar variation 2660971 (VCV002660971.25), dbSNP rs773734601, ClinGen allele CA10460237.
Genomic context (GRCh38, chrX:78,273,386, plus strand): 5'-TGGCTTTTTTCTGTGTAACCAAATTAATGTTCTGGACTGGAAAAACAATTGCAATGCACC[G>A]GAAAAAGCTCATGGCTGTCATAAAGAAGATGCTACAATAGAGGTTGACATACAAAGCATA-3'
Protein context (NP_006630.1, residues 111-131): IFFMTAMSFF[Arg121Trp]CIAIVFPVQN

ClinVar aggregate classification (germline): Conflicting classifications of pathogenicity. Review status: criteria provided, conflicting classifications (1 of 4 stars). 2 submissions from 2 submitters: Uncertain significance (1); Likely benign (1). Last evaluated 2024-07-14.

Allele frequency attached by ClinVar (database versions not stated): ExAC 0.00001; gnomAD exomes 0.00002; TOPMed 0.00003; gnomAD 0.00005.
gnomAD v4.1: 30 of 1,209,248 alleles (0.0025%); highest among the groups gnomAD compares: South Asian, 0.0053%; no homozygotes.

Submissions (2):

Ambry Genetics
Classification: Uncertain significance. Last evaluated: 2024-07-14. Review status: criteria provided, single submitter. Criteria: Ambry Variant Classification Scheme 2023. Collection method: clinical testing. Allele origin: germline.

CeGaT Center for Human Genetics Tuebingen
Classification: Likely benign. Last evaluated: 2023-04-01. Review status: criteria provided, single submitter. Criteria: CeGaT Center For Human Genetics Tuebingen Variant Classification Criteria Version 2. Collection method: clinical testing. Allele origin: germline. Affected: yes. Observed: 1 variant allele.
Comment: CYSLTR1: BS2